The following is an entry in ClinVar:

NM_024675.4(PALB2):c.1833C>A (p.Asp611Glu)

Gene: PALB2 (partner and localizer of BRCA2; minus strand). Cytogenetic location: 16p12.2.
Variant type: single nucleotide variant.
Coding change: c.1833C>A on transcript NM_024675.4 (MANE Select); coding-DNA position 1833, C replaced by A.
Protein change: p.Asp611Glu; replaces aspartic acid 611 with glutamic acid.
Molecular consequence: missense variant.
Genome position (GRCh38, 1-based): chr16:23,630,321, G>T on the plus strand (C>A on the coding strand, the complement: PALB2 is on the minus strand). VCF-style: chr16-23630321-G-T. GRCh37 (hg19) VCF-style: chr16-23641642-G-T.
Other names: short protein forms D611E.
Identifiers: ClinVar variation 482066 (VCV000482066.22), dbSNP rs779184831, ClinGen allele CA7963656.

ClinVar aggregate classification (germline): Conflicting classifications of pathogenicity. Review status: criteria provided, conflicting classifications (1 of 4 stars). 9 submissions from 9 submitters: Uncertain significance (8); Likely benign (1). Last evaluated 2025-10-07.

Conditions:
Hereditary cancer-predisposing syndrome. Also called: Neoplastic Syndromes, Hereditary; Tumor predisposition; Hereditary Cancer Syndrome; Hereditary neoplastic syndrome. Identifiers: Orphanet 140162, MedGen C0027672, MeSH D009386, MONDO:0015356.
Familial cancer of breast. Also called: BREAST CANCER, FAMILIAL; Hereditary breast cancer; hereditary breast carcinoma. Identifiers: Orphanet 227535, MedGen C0346153, MONDO:0016419, OMIM 114480. Disease mechanism: loss of function.

Allele frequency attached by ClinVar (database versions not stated): gnomAD exomes below 0.00001 and 0.00001; ExAC 0.00002; gnomAD 0.00003; TOPMed 0.00003.
gnomAD v4.1: 6 of 1,614,058 alleles (0.00037%); highest among the groups gnomAD compares: African/African-American, 0.008%; no homozygotes.

Submissions (9):

Labcorp Genetics (formerly Invitae), Labcorp
Classification: Uncertain significance for Familial cancer of breast. Last evaluated: 2025-10-07. Review status: criteria provided, single submitter. Criteria: Invitae Variant Classification Sherloc (09022015). Collection method: clinical testing. Allele origin: germline.
Comment: This sequence change replaces aspartic acid, which is acidic and polar, with glutamic acid, which is acidic and polar, at codon 611 of the PALB2 protein (p.Asp611Glu). This variant is present in population databases (rs779184831, gnomAD 0.02%). This variant has not been reported in the literature in individuals affected with PALB2-related conditions. ClinVar contains an entry for this variant (Variation ID: 482066). Invitae Evidence Modeling of protein sequence and biophysical properties (such as structural, functional, and spatial information, amino acid conservation, physicochemical variation, residue mobility, and thermodynamic stability) indicates that this missense variant is not expected to disrupt PALB2 protein function with a negative predictive value of 80%. In summary, the available evidence is currently insufficient to determine the role of this variant in disease. Therefore, it has been classified as a Variant of Uncertain Significance.

Ambry Genetics
Classification: Uncertain significance for Hereditary cancer-predisposing syndrome. Last evaluated: 2025-07-21. Review status: criteria provided, single submitter. Criteria: Ambry Variant Classification Scheme 2023. Collection method: clinical testing. Allele origin: germline.
Comment: The p.D611E variant (also known as c.1833C>A), located in coding exon 5 of the PALB2 gene, results from a C to A substitution at nucleotide position 1833. The aspartic acid at codon 611 is replaced by glutamic acid, an amino acid with highly similar properties. This amino acid position is well conserved in available vertebrate species. In addition, this alteration is predicted to be tolerated by in silico analysis. Based on the available evidence, the clinical significance of this variant remains unclear.

Myriad Genetics, Inc.
Classification: Likely benign for Familial cancer of breast. Last evaluated: 2024-08-14. Review status: criteria provided, single submitter. Criteria: Myriad Autosomal Dominant, Autosomal Recessive and X-Linked Classification Criteria (2023). Collection method: clinical testing. Allele origin: unknown.
Comment: This variant is considered likely benign. This variant is strongly associated with less severe personal and family histories of cancer, typical for individuals without pathogenic variants in this gene [PMID: 25085752].

Color Diagnostics, LLC DBA Color Health
Classification: Uncertain significance for Hereditary cancer-predisposing syndrome. Last evaluated: 2024-06-13. Review status: criteria provided, single submitter. Criteria: ACMG Guidelines, 2015. Collection method: clinical testing. Allele origin: germline.
Comment: This missense variant replaces aspartic acid with glutamic acid at codon 611 of the PALB2 protein. Computational prediction suggests that this variant may not impact protein structure and function. To our knowledge, functional studies have not been reported for this variant. This variant has not been reported in individuals affected with PALB2-related disorders in the literature. This variant has been identified in 3/251418 chromosomes in the general population by the Genome Aggregation Database (gnomAD). The available evidence is insufficient to determine the role of this variant in disease conclusively. Therefore, this variant is classified as a Variant of Uncertain Significance.

Quest Diagnostics Nichols Institute San Juan Capistrano
Classification: Uncertain significance. Last evaluated: 2024-02-08. Review status: criteria provided, single submitter. Criteria: Quest Diagnostics criteria. Collection method: clinical testing. Allele origin: unknown.
Comment: The PALB2 c.1833C>A (p.Asp611Glu) variant has not been reported in individuals with PALB2-related conditions in the published literature. The frequency of this variant in the general population, 0.00018 (3/16250 chromosomes (Genome Aggregation Database)), is uninformative in the assessment of its pathogenicity. Analysis of this variant using bioinformatics tools for the prediction of the effect of amino acid changes on protein structure and function yielded conflicting predictions that this variant is benign or damaging. Based on the available information, we are unable to determine the clinical significance of this variant.

Baylor Genetics
Classification: Uncertain significance for Familial cancer of breast. Last evaluated: 2023-12-26. Review status: criteria provided, single submitter. Criteria: ACMG Guidelines, 2015. Collection method: clinical testing. Allele origin: unknown.

Sema4
Classification: Uncertain significance for Hereditary cancer-predisposing syndrome. Last evaluated: 2021-10-04. Review status: criteria provided, single submitter. Criteria: Sema4 Curation Guidelines. Collection method: curation. Allele origin: germline.
Comment: The PALB2 c.1833C>A (p.D611E) variant has not been reported in the literature to our knowledge. This variant was observed in 3/16250 chromosomes in the African/African American (AFR) population according to the Genome Aggregation Database (PMID: 32461654). The variant has been reported in ClinVar (Variation ID: 482066). Functional studies have not been performed, and in silico predictions of the variant's effect on protein function are inconclusive. The evidence is insufficient to meet ACMG/AMP criteria for classifying the variant as benign or pathogenic. Thus, the clinical significance of this variant is currently uncertain.

GeneDx
Classification: Uncertain significance. Last evaluated: 2019-09-05. Review status: criteria provided, single submitter. Criteria: GeneDx Variant Classification Process June 2021. Collection method: clinical testing. Allele origin: germline. Affected: yes.
Comment: Not observed at a significant frequency in large population cohorts (Lek et al., 2016); In silico analysis, which includes protein predictors and evolutionary conservation, supports a deleterious effect; Has not been previously published as pathogenic or benign to our knowledge

Women's Health and Genetics/Laboratory Corporation of America, LabCorp
Classification: Uncertain significance. Last evaluated: 2017-07-21. Review status: criteria provided, single submitter. Criteria: LabCorp Variant Classification Summary - May 2015. Collection method: clinical testing. Allele origin: germline.
Comment: Variant summary: The PALB2 c.1833C>A (p.Asp611Glu) variant involves the alteration of a non-conserved nucleotide and 2/3 in silico tools predict a damaging outcome (SNPsandGO and MutationTaster not captured due to low reliability index and p-value, respectively). However, these predictions have yet to be functionally assessed. This variant was found in 3/246210 control chromosomes, predominantly observed in the African subpopulation at a frequency of 0.000196 (3/15304). This frequency is comparable to estimated maximal expected allele frequency of a pathogenic PALB2 variant (0.0001563). The variant of interest has not, to our knowledge, been reported in affected individuals via publications and/or reputable databases/clinical diagnostic laboratories. Because of the absence of clinical information and the lack of functional studies, the variant is classified as a "Variant of Uncertain Significance (VUS)," until additional information becomes available.

Literature cited by the submitters: PubMed 25085752 (cited by Myriad Genetics, Inc.).